The following is an entry in ClinVar:

ClinVar aggregate classification (germline): Uncertain significance (1 of 4 stars; one submission).

Conditions:
Primary ciliary dyskinesia. Also called: Ciliary dyskinesia. Identifiers: Orphanet 244, MedGen C0008780, MONDO:0016575, HP:0012265.

Submission:

Labcorp Genetics (formerly Invitae), Labcorp
Classification: Uncertain significance for Primary ciliary dyskinesia. Last evaluated: 2022-02-25. Review status: criteria provided, single submitter. Criteria: Invitae Variant Classification Sherloc (09022015). Collection method: clinical testing. Allele origin: germline.
Comment: This sequence change replaces arginine, which is basic and polar, with glycine, which is neutral and non-polar, at codon 663 of the DNAI1 protein (p.Arg663Gly). This variant is not present in population databases (gnomAD no frequency). This variant has not been reported in the literature in individuals affected with DNAI1-related conditions. Algorithms developed to predict the effect of missense changes on protein structure and function are either unavailable or do not agree on the potential impact of this missense change (SIFT: "Tolerated"; PolyPhen-2: "Probably Damaging"; Align-GVGD: "Class C0"). In summary, the available evidence is currently insufficient to determine the role of this variant in disease. Therefore, it has been classified as a Variant of Uncertain Significance.

NM_012144.4(DNAI1):c.1987C>G (p.Arg663Gly)

Gene: DNAI1 (dynein axonemal intermediate chain 1; plus strand). Cytogenetic location: 9p13.3.
Variant type: single nucleotide variant.
Coding change: c.1987C>G on transcript NM_012144.4 (MANE Select); coding-DNA position 1987, C replaced by G.
Protein change: p.Arg663Gly; replaces arginine 663 with glycine.
Molecular consequence: missense variant.
Genome position (GRCh38, 1-based): chr9:34,517,453, C>G. VCF-style: chr9-34517453-C-G. GRCh37 (hg19) VCF-style: chr9-34517451-C-G.
Other names: c.1999C>G, p.Arg667Gly (NM_001281428.2); short protein forms R667G, R663G.
Identifiers: ClinVar variation 1482987 (VCV001482987.3), dbSNP rs564706097, ClinGen allele CA373267049.